The following is an entry in ClinVar:

NM_001904.4(CTNNB1):c.2289G>A (p.Met763Ile)

Gene: CTNNB1 (catenin beta 1; plus strand). Cytogenetic location: 3p22.1.
Variant type: single nucleotide variant.
Coding change: c.2289G>A on transcript NM_001904.4 (MANE Select); coding-DNA position 2289, G replaced by A.
Protein change: p.Met763Ile; replaces methionine 763 with isoleucine.
Molecular consequence: missense variant.
Genome position (GRCh38, 1-based): chr3:41,239,285, G>A. VCF-style: chr3-41239285-G-A. GRCh37 (hg19) VCF-style: chr3-41280776-G-A.
Other names: c.2289G>A, p.Met763Ile (NM_001098209.2, NM_001098210.2); c.2268G>A, p.Met756Ile (NM_001330729.2); short protein forms M756I, M763I.
Identifiers: ClinVar variation 1477478 (VCV001477478.8), dbSNP rs2125653933, ClinGen allele CA352237584.

ClinVar aggregate classification (germline): Uncertain significance (1 of 4 stars; one submission).

Submission:

Labcorp Genetics (formerly Invitae), Labcorp
Classification: Uncertain significance. Last evaluated: 2024-09-05. Review status: criteria provided, single submitter. Criteria: Invitae Variant Classification Sherloc (09022015). Collection method: clinical testing. Allele origin: germline.
Comment: This sequence change replaces methionine, which is neutral and non-polar, with isoleucine, which is neutral and non-polar, at codon 763 of the CTNNB1 protein (p.Met763Ile). This variant is not present in population databases (gnomAD no frequency). This variant has not been reported in the literature in individuals affected with CTNNB1-related conditions. ClinVar contains an entry for this variant (Variation ID: 1477478). An algorithm developed to predict the effect of missense changes on protein structure and function (PolyPhen-2) suggests that this variant is likely to be tolerated. In summary, the available evidence is currently insufficient to determine the role of this variant in disease. Therefore, it has been classified as a Variant of Uncertain Significance.